The following is an entry in ClinVar:

NM_001199138.2(NLRC4):c.2945C>A (p.Ala982Glu)

Gene: NLRC4 (NLR family CARD domain containing 4; minus strand). Cytogenetic location: 2p22.3.
Variant type: single nucleotide variant.
Coding change: c.2945C>A on transcript NM_001199138.2 (MANE Select); coding-DNA position 2945, C replaced by A.
Protein change: p.Ala982Glu; replaces alanine 982 with glutamic acid.
Molecular consequence: missense variant.
Genome position (GRCh38, 1-based): chr2:32,224,603, G>T on the plus strand (C>A on the coding strand, the complement: NLRC4 is on the minus strand). VCF-style: chr2-32224603-G-T. GRCh37 (hg19) VCF-style: chr2-32449672-G-T.
Other names: c.2945C>A, p.Ala982Glu (NM_001199139.2, NM_021209.5); c.950C>A, p.Ala317Glu (NM_001302504.2); short protein forms A317E, A982E.
Identifiers: ClinVar variation 962216 (VCV000962216.10), dbSNP rs147896952, ClinGen allele CA1601641.

ClinVar aggregate classification (germline): Uncertain significance. Review status: criteria provided, multiple submitters, no conflicts (2 of 4 stars). 2 submissions from 2 submitters: Uncertain significance (2). Last evaluated 2026-01-02.

Conditions:
Periodic fever-infantile enterocolitis-autoinflammatory syndrome. Also called: Autoinflammation with infantile enterocolitis. Identifiers: Orphanet 436166, MedGen C4015067, MONDO:0014472, OMIM 616050.
Familial cold autoinflammatory syndrome 4 (FCAS4). Identifiers: Orphanet 47045, Orphanet 576349, MedGen C4015276, MONDO:0014498, OMIM 616115.

gnomAD v4.1: 9 of 1,613,708 alleles (0.00056%); highest among the groups gnomAD compares: Admixed American, 0.015%; no homozygotes.

Submissions (2):

Clinical Genomics Laboratory, Washington University in St. Louis
Classification: Uncertain significance for Periodic fever-infantile enterocolitis-autoinflammatory syndrome. Last evaluated: 2026-01-02. Review status: criteria provided, single submitter. Criteria: ACMG Guidelines, 2015. Collection method: clinical testing. Allele origin: germline.
Comment: The NLRC4 c.2945C>A (p.Ala982Glu) variant, to our knowledge, has not been reported in the medical literature but has been reported in the ClinVar database as a germline variant of uncertain significance by one submitter. This variant is only observed in 9/1,613,708 alleles in the general population (gnomAD v4.1.0), indicating it is not a common variant. This variant occurs in exon 9 in a leucine rich repeat region, but computational predictors suggest that the variant does not impact NLRC4 function. Due to limited information, and based on ACMG/AMP guidelines for variant interpretation (Richards S et al., PMID: 25741868), the clinical significance of this variant is uncertain at this time.

Labcorp Genetics (formerly Invitae), Labcorp
Classification: Uncertain significance for Periodic fever-infantile enterocolitis-autoinflammatory syndrome; Familial cold autoinflammatory syndrome 4. Last evaluated: 2025-11-05. Review status: criteria provided, single submitter. Criteria: Invitae Variant Classification Sherloc (09022015). Collection method: clinical testing. Allele origin: germline.
Comment: This sequence change replaces alanine, which is neutral and non-polar, with glutamic acid, which is acidic and polar, at codon 982 of the NLRC4 protein (p.Ala982Glu). This variant is present in population databases (rs147896952, gnomAD 0.02%). This variant has not been reported in the literature in individuals affected with NLRC4-related conditions. ClinVar contains an entry for this variant (Variation ID: 962216). Invitae Evidence Modeling of protein sequence and biophysical properties (such as structural, functional, and spatial information, amino acid conservation, physicochemical variation, residue mobility, and thermodynamic stability) indicates that this missense variant is not expected to disrupt NLRC4 protein function with a negative predictive value of 80%. In summary, the available evidence is currently insufficient to determine the role of this variant in disease. Therefore, it has been classified as a Variant of Uncertain Significance.